The following is an entry in ClinVar:

ClinVar aggregate classification (germline): Uncertain significance. Review status: criteria provided, multiple submitters, no conflicts (2 of 4 stars). 5 submissions from 5 submitters: Uncertain significance (5). Last evaluated 2026-08-18.

Conditions:
Cardiomyopathy (CMYO). Also called: Cardiomyopathies. Identifiers: Orphanet 167848, MedGen C0878544, MONDO:0004994, HP:0001638. Inheritance: Various modes of inheritance.
Cardiovascular phenotype. Identifiers: MedGen CN230736.
Catecholaminergic polymorphic ventricular tachycardia 1. Also called: VENTRICULAR TACHYCARDIA, CATECHOLAMINERGIC POLYMORPHIC, 1, WITH OR WITHOUT ATRIAL DYSFUNCTION AND/OR DILATED CARDIOMYOPATHY; RYR2-Related Catecholaminergic Polymorphic Ventricular Tachycardia; VENTRICULAR TACHYCARDIA, STRESS-INDUCED POLYMORPHIC 1. Identifiers: Orphanet 3286, MedGen C1631597, MONDO:0011484, OMIM 604772.
Catecholaminergic polymorphic ventricular tachycardia (CVPT). Also called: Catecholamine-induced polymorphic ventricular tachycardia. Identifiers: Orphanet 3286, MedGen C5574922, MONDO:0017990.

Allele frequency attached by ClinVar (database versions not stated): gnomAD exomes 0.00001; TOPMed 0.00001; ExAC 0.00001.
gnomAD v4.1: 3 of 1,613,956 alleles (0.00019%); highest among the groups gnomAD compares: Admixed American, 0.0017%; no homozygotes.

Submissions (5):

Ambry Genetics
Classification: Uncertain significance for Cardiovascular phenotype. Last evaluated: 2026-08-18. Review status: criteria provided, single submitter. Criteria: Ambry Variant Classification Scheme 2023. Collection method: clinical testing. Allele origin: germline.

Labcorp Genetics (formerly Invitae), Labcorp
Classification: Uncertain significance for Catecholaminergic polymorphic ventricular tachycardia 1. Last evaluated: 2024-07-01. Review status: criteria provided, single submitter. Criteria: Invitae Variant Classification Sherloc (09022015). Collection method: clinical testing. Allele origin: germline.
Comment: This sequence change replaces threonine, which is neutral and polar, with serine, which is neutral and polar, at codon 1172 of the RYR2 protein (p.Thr1172Ser). This variant is present in population databases (rs760782284, gnomAD 0.0009%). This missense change has been observed in individual(s) with RYR2-related conditions (PMID: 31737537). ClinVar contains an entry for this variant (Variation ID: 926209). Advanced modeling of protein sequence and biophysical properties (such as structural, functional, and spatial information, amino acid conservation, physicochemical variation, residue mobility, and thermodynamic stability) performed at Invitae indicates that this missense variant is not expected to disrupt RYR2 protein function with a negative predictive value of 95%. In summary, the available evidence is currently insufficient to determine the role of this variant in disease. Therefore, it has been classified as a Variant of Uncertain Significance.

Color Diagnostics, LLC DBA Color Health
Classification: Uncertain significance for Cardiomyopathy. Last evaluated: 2024-03-06. Review status: criteria provided, single submitter. Criteria: ACMG Guidelines, 2015. Collection method: clinical testing. Allele origin: germline.
Comment: This missense variant replaces threonine with serine at codon 1172 of the RYR2 protein. Computational prediction suggests that this variant may not impact protein structure and function (internally defined REVEL score threshold <= 0.5, PMID: 27666373). To our knowledge, functional studies have not been reported for this variant. This variant has not been reported in individuals affected with RYR2-related disorders in the literature. This variant has been identified in 2/249112 chromosomes in the general population by the Genome Aggregation Database (gnomAD). The available evidence is insufficient to determine the role of this variant in disease conclusively. Therefore, this variant is classified as a Variant of Uncertain Significance.

All of Us Research Program, National Institutes of Health
Classification: Uncertain significance for Catecholaminergic polymorphic ventricular tachycardia. Last evaluated: 2023-10-30. Review status: criteria provided, single submitter. Criteria: ACMG Guidelines, 2015. Collection method: clinical testing. Allele origin: germline. Inheritance: Autosomal dominant inheritance. Observed: 2 variant alleles, 2 heterozygotes.
Comment: This missense variant replaces threonine with serine at codon 1172 of the RYR2 protein. Computational prediction suggests that this variant may not impact protein structure and function (internally defined REVEL score threshold <= 0.5, PMID: 27666373). To our knowledge, functional studies have not been reported for this variant. This variant has not been reported in individuals affected with RYR2-related disorders in the literature. This variant has been identified in 2/249112 chromosomes in the general population by the Genome Aggregation Database (gnomAD). The available evidence is insufficient to determine the role of this variant in disease conclusively. Therefore, this variant is classified as a Variant of Uncertain Significance.

This study involves interpretation of variants in research participants for the purpose of population health screening. Participant phenotype was not available at the time of variant classification. Additional details can be found in publication PMID: 35346344, PMCID: PMC8962531

GeneDx
Classification: Uncertain significance. Last evaluated: 2023-10-02. Review status: criteria provided, single submitter. Criteria: GeneDx Variant Classification Process June 2021. Collection method: clinical testing. Allele origin: germline. Affected: yes.
Comment: Not observed at significant frequency in large population cohorts (gnomAD); In silico analysis supports that this missense variant does not alter protein structure/function; Reported in a patient with suspected CPVT in published literature (Marschall et al., 2019), although no clinical details or segregation data were described; Not located in one of the three hot-spot regions of the RYR2 gene, where the majority of pathogenic missense variants occur (Medeiros-Domingo et al., 2009); This variant is associated with the following publications: (PMID: 31737537, 19926015)

Literature cited by the submitters: PubMed 31737537 (cited by Labcorp Genetics (formerly Invitae), Labcorp).

NM_001035.3(RYR2):c.3514A>T (p.Thr1172Ser)

Gene: RYR2 (ryanodine receptor 2; plus strand). Cytogenetic location: 1q43.
Variant type: single nucleotide variant.
Coding change: c.3514A>T on transcript NM_001035.3 (MANE Select); coding-DNA position 3514, A replaced by T.
Protein change: p.Thr1172Ser; replaces threonine 1172 with serine.
Molecular consequence: missense variant.
Genome position (GRCh38, 1-based): chr1:237,569,235, A>T. VCF-style: chr1-237569235-A-T. GRCh37 (hg19) VCF-style: chr1-237732535-A-T.
Other names: c.3514A>T (NM_001035.2); short protein forms T1172S.
Identifiers: ClinVar variation 926209 (VCV000926209.16), dbSNP rs760782284, ClinGen allele CA086403.
Genomic context (GRCh38, chr1:237,569,235, plus strand): 5'-TATGGGCGCTCTTGGCAAGCAGGCGATGTCGTGGGGTGTATGGTTGACATGAACGAACAC[A>T]CCATGATGTTCACACTGAATGGTGAAATCCTTCTTGATGATTCAGGCTCAGAACTGGCTT-3'
Protein context (NP_001026.2, residues 1162-1182): VGCMVDMNEH[Thr1172Ser]MMFTLNGEIL